The following is an entry in ClinVar:

NM_004972.4(JAK2):c.1684G>A (p.Gly562Ser)

Genes: JAK2 (Janus kinase 2; plus strand), INSL6 (insulin like 6; minus strand). Cytogenetic location: 9p24.1.
Variant type: single nucleotide variant.
Coding change: c.1684G>A on transcript NM_004972.4 (MANE Select); coding-DNA position 1684, G replaced by A.
Protein change: p.Gly562Ser; replaces glycine 562 with serine.
Molecular consequence: missense variant. On other transcripts: non-coding transcript variant (2).
Genome position (GRCh38, 1-based): chr9:5,072,534, G>A. VCF-style: chr9-5072534-G-A. GRCh37 (hg19) VCF-style: chr9-5072534-G-A.
Other names: c.1684G>A, p.Gly562Ser (NM_001322194.2, NM_001322195.2, NM_001322196.2); c.469G>A, p.Gly157Ser (NM_001322198.2, NM_001322199.2); c.1237G>A, p.Gly413Ser (NM_001322204.2); short protein forms G157S, G413S, G562S.
Identifiers: ClinVar variation 3899461 (VCV003899461.1).

ClinVar aggregate classification (germline): Uncertain significance (1 of 4 stars; one submission).

Submission:

GeneDx
Classification: Uncertain significance. Last evaluated: 2024-11-13. Review status: criteria provided, single submitter. Criteria: GeneDx Variant Classification Process June 2021. Collection method: clinical testing. Allele origin: germline. Affected: yes.
Comment: Not observed at significant frequency in large population cohorts (gnomAD); In silico analysis supports that this missense variant has a deleterious effect on protein structure/function; Has not been previously published as pathogenic or benign to our knowledge